The following is an entry in ClinVar:

NM_000256.3(MYBPC3):c.3373G>T (p.Val1125Leu)

Gene: MYBPC3 (myosin binding protein C3; minus strand). Cytogenetic location: 11p11.2.
Variant type: single nucleotide variant.
Coding change: c.3373G>T on transcript NM_000256.3 (MANE Select); coding-DNA position 3373, G replaced by T.
Protein change: p.Val1125Leu; replaces valine 1125 with leucine.
Molecular consequence: missense variant.
Genome position (GRCh38, 1-based): chr11:47,332,931, C>A on the plus strand (G>T on the coding strand, the complement: MYBPC3 is on the minus strand). VCF-style: chr11-47332931-C-A. GRCh37 (hg19) VCF-style: chr11-47354482-C-A.
Other names: short protein forms V1125L.
Identifiers: ClinVar variation 188581 (VCV000188581.6), dbSNP rs121909378, ClinGen allele CA014048.
Genomic context (GRCh38, chr11:47,332,931, plus strand): 5'-CCATATTCTGGCTGAAGACGCGGAAGTAGTAGCCATTGCCAATGATGAGCTCTGGCACCA[C>A]GCAGTGGGTGCGGCGGTAATGCTCCAAGACGGTGAACCACTCCTGGGGGCAGGGAGGGAG-3'
Protein context (NP_000247.2, residues 1115-1135): VLEHYRRTHC[Val1125Leu]VPELIIGNGY

ClinVar aggregate classification (germline): Uncertain significance. Review status: criteria provided, multiple submitters, no conflicts (2 of 4 stars). 2 submissions from 2 submitters: Uncertain significance (2). Last evaluated 2025-06-24.

Conditions:
Cardiomyopathy (CMYO). Also called: Cardiomyopathies. Identifiers: Orphanet 167848, MedGen C0878544, MONDO:0004994, HP:0001638. Inheritance: Various modes of inheritance.
Hypertrophic cardiomyopathy. Also called: HYPERTROPHIC MYOCARDIOPATHY. Identifiers: Orphanet 217569, MedGen C0007194, MeSH D002312, MONDO:0005045, HP:0001639.

gnomAD v4.1: 11 of 1,610,678 alleles (0.00068%); highest among the groups gnomAD compares: South Asian, 0.0011%; no homozygotes.

Submissions (2):

Color Diagnostics, LLC DBA Color Health
Classification: Uncertain significance for Cardiomyopathy. Last evaluated: 2025-06-24. Review status: criteria provided, single submitter. Criteria: ACMG Guidelines, 2015. Collection method: clinical testing. Allele origin: germline.
Comment: This missense variant replaces valine with leucine at codon 1125 of the MYBPC3 protein. Computational prediction suggests that this variant may not impact protein structure and function. To our knowledge, functional studies have not been reported for this variant. This variant has been reported in an individual affected with hypertrophic cardiomyopathy (PMID: 33495596). This variant has been identified in 1/242286 chromosomes in the general population by the Genome Aggregation Database (gnomAD). The available evidence is insufficient to determine the role of this variant in disease conclusively. Therefore, this variant is classified as a Variant of Uncertain Significance.

All of Us Research Program, National Institutes of Health
Classification: Uncertain significance for Hypertrophic cardiomyopathy. Last evaluated: 2023-06-26. Review status: criteria provided, single submitter. Criteria: ACMG Guidelines, 2015. Collection method: clinical testing. Allele origin: germline. Inheritance: Autosomal dominant inheritance. Observed: 1 variant allele, 1 heterozygote.
Comment: This missense variant replaces valine with leucine at codon 1125 of the MYBPC3 protein. Computational prediction is inconclusive regarding the impact of this variant on protein structure and function (internally defined REVEL score threshold 0.5 < inconclusive < 0.7, PMID: 27666373). To our knowledge, functional studies have not been reported for this variant. This variant has not been reported in individuals affected with cardiovascular disorders in the literature. This variant has been identified in 1/242286 chromosomes in the general population by the Genome Aggregation Database (gnomAD). The available evidence is insufficient to determine the role of this variant in disease conclusively. Therefore, this variant is classified as a Variant of Uncertain Significance.

This study involves interpretation of variants in research participants for the purpose of population health screening. Participant phenotype was not available at the time of variant classification. Additional details can be found in publication PMID: 35346344, PMCID: PMC8962531

Literature cited by the submitters: PubMed 33495596 (cited by Color Diagnostics, LLC DBA Color Health).